The following is an entry in ClinVar:

GRCh38/hg38 3p24.3(chr3:18253476-20137057)x3

Genes: BALR6 (B-cell acute lymphoblastic leukemia associated long RNA 6; plus strand), EFHB (EF-hand domain family member B; minus strand), KAT2B (lysine acetyltransferase 2B; plus strand), KCNH8 (potassium voltage-gated channel subfamily H member 8; plus strand), MIR4791 (microRNA 4791; minus strand) and 36 more. Cytogenetic location: 3p24.3.
Variant type: copy number gain.
Change: copy number 3 (three copies instead of two) of chr3:18,253,476-20,137,057 (1.88 Mb, GRCh38 coordinates, 1-based), cytogenetic band 3p24.3.
Identifiers: ClinVar variation 57700 (VCV000057700.1).

ClinVar aggregate classification (germline): Uncertain significance (1 of 4 stars; one submission).

Submission:

ISCA site 15
Classification: Uncertain significance. Last evaluated: 2011-08-12. Review status: criteria provided, single submitter. Criteria: Kaminsky et al. (Genet Med. 2011). Collection method: clinical testing. Allele origin: unknown. Affected: yes. Observed: 1 variant allele.
Comment: Copy number variation identified through the course of routine clinical cytogenomic testing in postnatal populations. Clinical assertions have been curated as described in Kaminsky et al. 2011.